The following is an entry in ClinVar:

NM_024642.5(GALNT12):c.201G>T (p.Arg67=)

Gene: GALNT12 (polypeptide N-acetylgalactosaminyltransferase 12; plus strand). Cytogenetic location: 9q22.33.
Variant type: single nucleotide variant.
Coding change: c.201G>T on transcript NM_024642.5 (MANE Select); coding-DNA position 201, G replaced by T.
Protein change: p.Arg67=; no amino-acid change (arginine 67 retained).
Molecular consequence: synonymous variant.
Genome position (GRCh38, 1-based): chr9:98,807,899, G>T. VCF-style: chr9-98807899-G-T. GRCh37 (hg19) VCF-style: chr9-101570181-G-T.
Identifiers: ClinVar variation 1784531 (VCV001784531.3), dbSNP rs2118256939, ClinGen allele CA466647440.

ClinVar aggregate classification (germline): Benign/Likely benign. Review status: criteria provided, multiple submitters, no conflicts (2 of 4 stars). 2 submissions from 2 submitters: Benign (1); Likely benign (1). Last evaluated 2026-04-22.

Conditions:
Colorectal cancer, susceptibility to, 1. Also called: COLORECTAL ADENOMA AND CANCER, SUSCEPTIBILITY TO; COLORECTAL CANCER, SUSCEPTIBILITY TO, ON CHROMOSOME 9. Identifiers: MedGen C1837315, MONDO:0012132, OMIM 608812.

Allele frequency attached by ClinVar (database versions not stated): gnomAD exomes below 0.00001.
gnomAD v4.1: 1 of 1,168,444 alleles (0.000086%); highest among the groups gnomAD compares: Non-Finnish European, 0.00011%; no homozygotes.

Submissions (2):

Myriad Genetics, Inc.
Classification: Benign for Colorectal cancer, susceptibility to, 1. Last evaluated: 2026-04-22. Review status: criteria provided, single submitter. Criteria: Myriad Autosomal Dominant, Autosomal Recessive and X-Linked Classification Criteria (2023). Collection method: clinical testing. Allele origin: unknown.
Comment: This variant is considered benign. This variant is a silent/synonymous amino acid change and it is not expected to impact splicing.

Ambry Genetics
Classification: Likely benign. Last evaluated: 2019-12-22. Review status: criteria provided, single submitter. Criteria: Ambry Variant Classification Scheme 2023. Collection method: clinical testing. Allele origin: germline.